The following is an entry in ClinVar:

ClinVar aggregate classification (germline): Conflicting classifications of pathogenicity. Review status: criteria provided, conflicting classifications (1 of 4 stars). 5 submissions from 5 submitters: Pathogenic (1); Likely pathogenic (3); Uncertain significance (1). Last evaluated 2026-08-05.

Conditions:
Intellectual disability, autosomal dominant 16 (CSS4). Also called: COFFIN-SIRIS SYNDROME 4. Identifiers: Orphanet 1465, MedGen C3553249, MONDO:0013821, OMIM 614609.
SMARCA4-related disorder. Also called: SMARCA4-related condition.
Rhabdoid tumor predisposition syndrome 2 (RTPS2). Identifiers: Orphanet 231108, Orphanet 69077, MedGen C2750074, MONDO:0013224, OMIM 613325.

Submissions (5):

GeneDx
Classification: Pathogenic. Last evaluated: 2026-08-05. Review status: criteria provided, single submitter. Criteria: GeneDx Variant Classification Process June 2021. Collection method: clinical testing. Allele origin: germline.
Comment: Not observed at significant frequency in large population cohorts (gnomAD); In silico analysis supports that this missense variant has a deleterious effect on protein structure/function; This variant is associated with the following publications: (PMID: 28135719, 27791198, 33057194, 35904121, 35982159, 38765165, 35887114, 37500730, 24658002)

3billion
Classification: Likely pathogenic for Intellectual disability, autosomal dominant 16. Last evaluated: 2024-02-20. Review status: criteria provided, single submitter. Criteria: ACMG Guidelines, 2015. Collection method: clinical testing. Allele origin: germline. Affected: yes.
Comment: The variant is not observed in the gnomAD v2.1.1 dataset. Predicted Consequence/Location: Missense variant In silico tool predictions suggest damaging effect of the variant on gene or gene product [REVEL: 0.97 (>=0.6, sensitivity 0.68 and specificity 0.92); 3Cnet: 0.94 (>=0.6, sensitivity 0.72 and precision 0.9)]. Same nucleotide change resulting in same amino acid change has been previously reported as pathogenic/likely pathogenic with strong evidence (ClinVar ID: VCV001333673). A different missense change at the same codon (p.Arg978Gly) has been reported to be associated with SMARCA4-related disorder (ClinVar ID: VCV000423132 /PMID: 30459321). Therefore, this variant is classified as Likely pathogenic according to the recommendation of ACMG/AMP guideline.

PreventionGenetics, part of Exact Sciences
Classification: Likely pathogenic for SMARCA4-related condition. Last evaluated: 2023-09-08. Review status: criteria provided, single submitter. Criteria: ACMG Guidelines, 2015. Collection method: clinical testing. Allele origin: germline.
Comment: The SMARCA4 c.2933G>A variant is predicted to result in the amino acid substitution p.Arg978Gln. This variant has not been reported in a large population database, indicating this variant is rare. This variant has been reported in individuals with Coffin-Siris syndrome or developmental disorder (de novo at McRae et al. 2017. PubMed ID: 28135719; Levy et al. 2022. PubMed ID: 35904121, supplementary tables). In addition, a different substitution at the same codon defined as p.Arg978Gly has also been reported in individuals with Coffin-Siris syndrome (Aref-Eshghi et al. 2018. PubMed ID: 30459321; Levy et al. 2022. PubMed ID: 35904121, supplementary tables). The p.Arg978Gln variant is interpreted as likely pathogenic.

Labcorp Genetics (formerly Invitae), Labcorp
Classification: Uncertain significance for Rhabdoid tumor predisposition syndrome 2. Last evaluated: 2023-07-07. Review status: criteria provided, single submitter. Criteria: Invitae Variant Classification Sherloc (09022015). Collection method: clinical testing. Allele origin: germline.
Comment: Advanced modeling of protein sequence and biophysical properties (such as structural, functional, and spatial information, amino acid conservation, physicochemical variation, residue mobility, and thermodynamic stability) performed at Invitae indicates that this missense variant is expected to disrupt SMARCA4 protein function. In summary, the available evidence is currently insufficient to determine the role of this variant in disease. Therefore, it has been classified as a Variant of Uncertain Significance. ClinVar contains an entry for this variant (Variation ID: 1333673). This missense change has been observed in individual(s) with developmental disorder (PMID: 28135719). This variant is not present in population databases (gnomAD no frequency). This sequence change replaces arginine, which is basic and polar, with glutamine, which is neutral and polar, at codon 978 of the SMARCA4 protein (p.Arg978Gln).

Blueprint Genetics
Classification: Likely pathogenic for SMARCA4-related disorders. Last evaluated: 2022-11-23. Review status: criteria provided, single submitter. Criteria: ACMG Guidelines, 2015. Collection method: clinical testing. Allele origin: germline. Affected: yes. Observed: 1 variant allele.

Literature cited by the submitters: PubMed 30459321 (cited by 3billion); PubMed 28135719 (cited by Labcorp Genetics (formerly Invitae), Labcorp).

NM_003072.5(SMARCA4):c.2933G>A (p.Arg978Gln)

Gene: SMARCA4 (SWI/SNF related BAF chromatin remodeling complex subunit ATPase 4; plus strand). Cytogenetic location: 19p13.2.
Variant type: single nucleotide variant.
Coding change: c.2933G>A on transcript NM_003072.5 (MANE Select); coding-DNA position 2933, G replaced by A.
Protein change: p.Arg978Gln; replaces arginine 978 with glutamine.
Molecular consequence: missense variant. On other transcripts: non-coding transcript variant (1).
Genome position (GRCh38, 1-based): chr19:11,023,591, G>A. VCF-style: chr19-11023591-G-A. GRCh37 (hg19) VCF-style: chr19-11134267-G-A.
Other names: c.2933G>A (NM_001128849.1); c.2933G>A, p.Arg978Gln (NM_001128844.3, NM_001128845.2, NM_001128846.2 and 5 more transcripts); short protein forms R978Q.
Identifiers: ClinVar variation 1333673 (VCV001333673.11), dbSNP rs1180804356, ClinGen allele CA404057618.